The following is an entry in ClinVar:

NM_031935.3(HMCN1):c.67G>C (p.Asp23His)

Gene: HMCN1 (hemicentin 1; plus strand). Cytogenetic location: 1q25.3.
Variant type: single nucleotide variant.
Coding change: c.67G>C on transcript NM_031935.3 (MANE Select); coding-DNA position 67, G replaced by C.
Protein change: p.Asp23His; replaces aspartic acid 23 with histidine.
Molecular consequence: missense variant.
Genome position (GRCh38, 1-based): chr1:185,734,846, G>C. VCF-style: chr1-185734846-G-C. GRCh37 (hg19) VCF-style: chr1-185703978-G-C.
Other names: short protein forms D23H.
Identifiers: ClinVar variation 3671150 (VCV003671150.2).

ClinVar aggregate classification (germline): Uncertain significance (1 of 4 stars; one submission).

Submission:

Labcorp Genetics (formerly Invitae), Labcorp
Classification: Uncertain significance. Last evaluated: 2024-10-17. Review status: criteria provided, single submitter. Criteria: Invitae Variant Classification Sherloc (09022015). Collection method: clinical testing. Allele origin: germline.
Comment: This sequence change replaces aspartic acid, which is acidic and polar, with histidine, which is basic and polar, at codon 23 of the HMCN1 protein (p.Asp23His). This variant is not present in population databases (gnomAD no frequency). This variant has not been reported in the literature in individuals affected with HMCN1-related conditions. An algorithm developed to predict the effect of missense changes on protein structure and function (PolyPhen-2) suggests that this variant is likely to be tolerated. In summary, the available evidence is currently insufficient to determine the role of this variant in disease. Therefore, it has been classified as a Variant of Uncertain Significance.